The following is an entry in ClinVar:

ClinVar aggregate classification (germline): Likely pathogenic (1 of 4 stars; one submission).

Conditions:
Wilson disease (WND). Also called: Wilson's disease. Identifiers: Orphanet 905, MedGen C0019202, MONDO:0010200, OMIM 277900. Disease mechanism: loss of function.

Submission:

Research Unit for Rare Diseases, 1st Faculty of Medicine, Charles University in Prague
Classification: Likely pathogenic for Wilson disease. Last evaluated: 2024-10-17. Review status: criteria provided, single submitter. Criteria: ACMG Guidelines, 2015. Collection method: research. Allele origin: paternal. Inheritance: Autosomal recessive inheritance. Affected: yes. Observed: 1 compound heterozygote.
Comment: The p.Gly496= variant was absent from the gnomAD database and was absent from the National Center for Medical Genomics database. Additionally, In vivo characterisation of the c.1488C>T (p.Gly496=) variant based on long-read amplicon sequencing of the ATP7B cDNA PCR product in the studied WD patient demonstrates, that the variant leads to splicing error of ATP7B mRNA (Steiner Mrazova et al. before submission).

NM_000053.4(ATP7B):c.1488C>T (p.Gly496=)

Gene: ATP7B (ATPase copper transporting beta; minus strand). Cytogenetic location: 13q14.3.
Variant type: single nucleotide variant.
Coding change: c.1488C>T on transcript NM_000053.4 (MANE Select); coding-DNA position 1488, C replaced by T.
Protein change: p.Gly496=; no amino-acid change (glycine 496 retained).
Molecular consequence: synonymous variant. On other transcripts: intron variant (1).
Genome position (GRCh38, 1-based): chr13:51,970,547, G>A on the plus strand (C>T on the coding strand, the complement: ATP7B is on the minus strand). VCF-style: chr13-51970547-G-A. GRCh37 (hg19) VCF-style: chr13-52544683-G-A.
Other names: c.1488C>T, p.Gly496= (NM_001005918.3, NM_001330578.2, NM_001330579.2 and 28 more transcripts); c.1155C>T, p.Gly385= (NM_001243182.2); c.1392C>T, p.Gly464= (NM_001406517.1, NM_001406518.1, NM_001406530.1 and 3 more transcripts); c.1059C>T, p.Gly353= (NM_001406539.1); c.1285+3388C>T (NM_001406548.1).
Identifiers: ClinVar variation 3366313 (VCV003366313.2).